The following is an entry in ClinVar:

ClinVar aggregate classification (germline): Uncertain significance (1 of 4 stars; one submission).

Conditions:
Hereditary cancer-predisposing syndrome. Also called: Neoplastic Syndromes, Hereditary; Tumor predisposition; Hereditary Cancer Syndrome; Hereditary neoplastic syndrome. Identifiers: Orphanet 140162, MedGen C0027672, MeSH D009386, MONDO:0015356.

Submission:

Ambry Genetics
Classification: Uncertain significance for Hereditary cancer-predisposing syndrome. Last evaluated: 2015-07-17. Review status: criteria provided, single submitter. Criteria: Ambry Variant Classification Scheme 2023. Collection method: clinical testing. Allele origin: germline.
Comment: The p.S714P variant (also known as c.2140T>C), located in coding exon 4 of the MSH6 gene, results from a T to C substitution at nucleotide position 2140. The serine at codon 714 is replaced by proline, an amino acid with similar properties. This variant was not reported in population based cohorts in the following databases: Database of Single Nucleotide Polymorphisms (dbSNP), NHLBI Exome Sequencing Project (ESP), and 1000 Genomes Project. In the ESP, this variant was not observed in 6503 samples (13006 alleles) with coverage at this position. To date, this alteration has been detected with an allele frequency of approximately 0.002% (greater than 65000 alleles tested) in our clinical cohort. This amino acid position is not well conserved in available vertebrate species. In addition, the in silico prediction for this alteration is inconclusive. Since supporting evidence is limited at this time, the clinical significance of p.S714P remains unclear.

NM_000179.3(MSH6):c.2140T>C (p.Ser714Pro)

Gene: MSH6 (mutS homolog 6; plus strand). Cytogenetic location: 2p16.3.
Variant type: single nucleotide variant.
Coding change: c.2140T>C on transcript NM_000179.3 (MANE Select); coding-DNA position 2140, T replaced by C.
Protein change: p.Ser714Pro; replaces serine 714 with proline.
Molecular consequence: missense variant.
Genome position (GRCh38, 1-based): chr2:47,800,123, T>C. VCF-style: chr2-47800123-T-C. GRCh37 (hg19) VCF-style: chr2-48027262-T-C.
Other names: c.1750T>C, p.Ser584Pro (NM_001281492.2); c.1234T>C, p.Ser412Pro (NM_001281493.2, NM_001281494.2); short protein forms S714P, S412P, S584P.
Identifiers: ClinVar variation 232912 (VCV000232912.5), dbSNP rs876660068, ClinGen allele CA10578094.